The following is an entry in ClinVar:

Conditions:
Breast-ovarian cancer, familial, susceptibility to, 1 (BROVCA1). Also called: BRCA1 Hereditary Breast and Ovarian Cancer; OVARIAN CANCER, SUSCEPTIBILITY TO. Identifiers: Orphanet 145, MedGen C2676676, MONDO:0011450, OMIM 604370. Disease mechanism: loss of function.

Allele frequency attached by ClinVar (database versions not stated): gnomAD exomes below 0.00001.
gnomAD v4.1: 1 of 1,601,544 alleles (0.000062%); highest among the groups gnomAD compares: South Asian, 0.0011%; no homozygotes.

Submission:

Brotman Baty Institute, University of Washington
No classification provided (evidence only). Condition: Breast-ovarian cancer, familial 1. Review status: no classification provided. Collection method: in vitro. Allele origin: not applicable. Functional consequence: functionally_normal.
ClinVar note: "not provided" was previously submitted as the classification for the variant. However, the classification appeared to be based only on an observation of functional data so it was converted to no classification on 2025-07-30.

NM_007294.4(BRCA1):c.156C>A (p.Leu52=)

Gene: BRCA1 (BRCA1 DNA repair associated; minus strand). Cytogenetic location: 17q21.31.
Variant type: single nucleotide variant.
Coding change: c.156C>A on transcript NM_007294.4 (MANE Select); coding-DNA position 156, C replaced by A.
Protein change: p.Leu52=; no amino-acid change (leucine 52 retained).
Molecular consequence: synonymous variant. On other transcripts: 5 prime UTR variant (61), intron variant (34).
Genome position (GRCh38, 1-based): chr17:43,106,512, G>T on the plus strand (C>A on the coding strand, the complement: BRCA1 is on the minus strand). VCF-style: chr17-43106512-G-T. GRCh37 (hg19) VCF-style: chr17-41258529-G-T.
Other names: c.-33C>A (NM_001407571.1, NM_001407853.1, NM_001407879.1 and 58 more transcripts); c.156C>A, p.Leu52= (NM_001407581.1, NM_001407582.1, NM_001407583.1 and 168 more transcripts); c.15C>A, p.Leu5= (NM_001407692.1, NM_001407694.1, NM_001407695.1 and 99 more transcripts); c.-218-11652C>A (NM_001407967.1, NM_001407966.1); c.-169-1556C>A (NM_001407959.1, NM_001407962.1, NM_001408512.1 and 4 more transcripts); c.81-1556C>A (NM_001408451.1); c.135-1556C>A (NM_001408475.1, NM_001407875.1, NM_001407659.1 and 21 more transcripts).
Identifiers: ClinVar variation 867284 (VCV000867284.3), dbSNP rs2054789276, ClinGen allele CA500128200.
Genomic context (GRCh38, chr17:43,106,512, plus strand): 5'-ATACCTTTTGGTTATATCATTCTTACATAAAGGACACTGTGAAGGCCCTTTCTTCTGGTT[G>T]AGAAGTTTCAGCATGCAAAATCTATAAATTATAAAGAAAGAAAGAACAATTTAATTTACT-3'
Protein context (NP_009225.1, residues 42-62): IFCKFCMLKL[Leu52=]NQKKGPSQCP